The following is an entry in ClinVar:

NM_003906.5(MCM3AP):c.4204G>A (p.Asp1402Asn)

Genes: MCM3AP-AS1 (MCM3AP antisense RNA 1; plus strand), MCM3AP (minichromosome maintenance complex component 3 associated protein; minus strand). Cytogenetic location: 21q22.3.
Variant type: single nucleotide variant.
Coding change: c.4204G>A on transcript NM_003906.5 (MANE Select); coding-DNA position 4204, G replaced by A.
Protein change: p.Asp1402Asn; replaces aspartic acid 1402 with asparagine.
Molecular consequence: missense variant. On other transcripts: non-coding transcript variant (2).
Genome position (GRCh38, 1-based): chr21:46,251,615, C>T on the plus strand (G>A on the coding strand, the complement: MCM3AP is on the minus strand). VCF-style: chr21-46251615-C-T. GRCh37 (hg19) VCF-style: chr21-47671529-C-T.
Other names: short protein forms D1402N.
Identifiers: ClinVar variation 1939490 (VCV001939490.30), dbSNP rs375959009, ClinGen allele CA10076197.
Genomic context (GRCh38, chr21:46,251,615, plus strand): 5'-TCTGATCCCCTTTGCTGCTAAGTGAGTTGAAAAGCGAAAGCGTCTGAATCCCACCAGCAT[C>T]GCTGGATGTGTCATCCACTGAGCCTTCATCTCCCATGAACTTGACTTTTAACCAATTTGC-3'
Protein context (NP_003897.2, residues 1392-1412): DEGSVDDTSS[Asp1402Asn]AGGIQTLSLF

ClinVar aggregate classification (germline): Conflicting classifications of pathogenicity. Review status: criteria provided, conflicting classifications (1 of 4 stars). 3 submissions from 3 submitters: Uncertain significance (2); Likely benign (1). Last evaluated 2025-11-20.

Conditions:
Peripheral neuropathy, autosomal recessive, with or without impaired intellectual development. Identifiers: MedGen C4748283, MONDO:0029131, OMIM 618124.

gnomAD v4.1: 60 of 1,610,052 alleles (0.0037%); highest among the groups gnomAD compares: South Asian, 0.027%; no homozygotes.

Submissions (3):

Labcorp Genetics (formerly Invitae), Labcorp
Classification: Uncertain significance. Last evaluated: 2025-11-20. Review status: criteria provided, single submitter. Criteria: Invitae Variant Classification Sherloc (09022015). Collection method: clinical testing. Allele origin: germline.
Comment: This sequence change replaces aspartic acid, which is acidic and polar, with asparagine, which is neutral and polar, at codon 1402 of the MCM3AP protein (p.Asp1402Asn). This variant is present in population databases (rs375959009, gnomAD 0.05%). This variant has not been reported in the literature in individuals affected with MCM3AP-related conditions. ClinVar contains an entry for this variant (Variation ID: 1939490). An algorithm developed to predict the effect of missense changes on protein structure and function outputs the following: PolyPhen-2: "Benign". The asparagine amino acid residue is found in multiple mammalian species, which suggests that this missense change does not adversely affect protein function. In summary, the available evidence is currently insufficient to determine the role of this variant in disease. Therefore, it has been classified as a Variant of Uncertain Significance.

CeGaT Center for Human Genetics Tuebingen
Classification: Likely benign. Last evaluated: 2023-12-01. Review status: criteria provided, single submitter. Criteria: CeGaT Center For Human Genetics Tuebingen Variant Classification Criteria Version 2. Collection method: clinical testing. Allele origin: germline. Affected: yes. Observed: 1 variant allele.
Comment: MCM3AP: BP4

Revvity Omics, Revvity
Classification: Uncertain significance for Peripheral neuropathy, autosomal recessive, with or without impaired intellectual development. Last evaluated: 2021-05-27. Review status: criteria provided, single submitter. Criteria: ACMG Guidelines, 2015. Collection method: clinical testing. Allele origin: germline.